The following is an entry in ClinVar:

ClinVar aggregate classification (germline): Pathogenic (1 of 4 stars; one submission).

Conditions:
Hereditary cancer-predisposing syndrome. Also called: Neoplastic Syndromes, Hereditary; Tumor predisposition; Hereditary neoplastic syndrome; Hereditary Cancer Syndrome. Identifiers: Orphanet 140162, MedGen C0027672, MeSH D009386, MONDO:0015356.

Submission:

Ambry Genetics
Classification: Pathogenic for Hereditary cancer-predisposing syndrome. Last evaluated: 2018-12-20. Review status: criteria provided, single submitter. Criteria: Ambry Variant Classification Scheme 2023. Collection method: clinical testing. Allele origin: germline.
Comment: The c.5503delA pathogenic mutation, located in coding exon 36 of the ATM gene, results from a deletion of one nucleotide at nucleotide position 5503, causing a translational frameshift with a predicted alternate stop codon (p.T1835Lfs*11). This alteration is expected to result in loss of function by premature protein truncation or nonsense-mediated mRNA decay. As such, this alteration is interpreted as a disease-causing mutation.

NM_000051.4(ATM):c.5503del (p.Thr1835fs)

Gene: ATM (ATM serine/threonine kinase; plus strand). Cytogenetic location: 11q22.3.
Variant type: Deletion.
Coding change: c.5503del on transcript NM_000051.4 (MANE Select); coding-DNA position 5503, one base deleted (A; older notation c.5503delA).
Protein change: p.Thr1835fs; shifts the reading frame from threonine 1835.
Molecular consequence: frameshift variant.
Genome position (GRCh38, 1-based): chr11:108,304,681, A deleted; the last of 4 consecutive A bases (chr11:108,304,678-108,304,681); deleting any one gives the same sequence. VCF-style (leftmost placement, unchanged base first): chr11-108304677-GA-G. GRCh37 (hg19) VCF-style: chr11-108175404-GA-G.
Other names: c.5503del, p.Thr1835fs (NM_001351834.2); short protein forms T1835fs.
Identifiers: ClinVar variation 825788 (VCV000825788.4), dbSNP rs1591717467, ClinGen allele CA915947632.